The following is an entry in ClinVar:

ClinVar aggregate classification (germline): Uncertain significance. Review status: criteria provided, multiple submitters, no conflicts (2 of 4 stars). 5 submissions from 5 submitters: Uncertain significance (5). Last evaluated 2026-05-06.

Conditions:
Hereditary cancer-predisposing syndrome. Also called: Tumor predisposition; Hereditary neoplastic syndrome; Neoplastic Syndromes, Hereditary; Hereditary Cancer Syndrome. Identifiers: Orphanet 140162, MedGen C0027672, MeSH D009386, MONDO:0015356.
Familial cancer of breast. Also called: hereditary breast carcinoma; Hereditary breast cancer; BREAST CANCER, FAMILIAL. Identifiers: Orphanet 227535, MedGen C0346153, MONDO:0016419, OMIM 114480. Disease mechanism: loss of function.

Allele frequency attached by ClinVar (database versions not stated): gnomAD exomes 0.00001 and below 0.00001; gnomAD 0.00001; ExAC 0.00001.
gnomAD v4.1: 3 of 1,444,158 alleles (0.00021%); highest among the groups gnomAD compares: South Asian, 0.0011%; no homozygotes.

Submissions (5):

Ambry Genetics
Classification: Uncertain significance for Hereditary cancer-predisposing syndrome. Last evaluated: 2026-05-06. Review status: criteria provided, single submitter. Criteria: Ambry Variant Classification Scheme 2023. Collection method: clinical testing. Allele origin: germline.
Comment: The c.846+5G>A intronic variant results from a G to A substitution 5 nucleotides after coding exon 6 in the CHEK2 gene. This nucleotide position is highly conserved in available vertebrate species. In silico splice site analysis predicts that this alteration will weaken the native splice donor site. RNA studies have demonstrated that this variant results in a splice defect; the clinical impact of this abnormal splicing is unknown at this time (Ambry internal data). Since supporting evidence is limited at this time, the clinical significance of this alteration remains unclear.

GeneDx
Classification: Uncertain significance. Last evaluated: 2023-08-03. Review status: criteria provided, single submitter. Criteria: GeneDx Variant Classification Process June 2021. Collection method: clinical testing. Allele origin: germline. Affected: yes.
Comment: Not observed at significant frequency in large population cohorts (gnomAD); Intronic +5 splice site variant in a gene for which loss of function is a known mechanism of disease, and both splice predictors and evolutionary conservation support a deleterious effect, although in the absence of functional evidence the actual effect of this sequence change is unknown.; Has not been previously published as pathogenic or benign to our knowledge; This variant is associated with the following publications: (PMID: 19782031, 22419737)

Labcorp Genetics (formerly Invitae), Labcorp
Classification: Uncertain significance for Familial cancer of breast. Last evaluated: 2023-03-16. Review status: criteria provided, single submitter. Criteria: Invitae Variant Classification Sherloc (09022015). Collection method: clinical testing. Allele origin: germline.
Comment: In summary, the available evidence is currently insufficient to determine the role of this variant in disease. Therefore, it has been classified as a Variant of Uncertain Significance. Variants that disrupt the consensus splice site are a relatively common cause of aberrant splicing (PMID: 17576681, 9536098). Algorithms developed to predict the effect of sequence changes on RNA splicing suggest that this variant may disrupt the consensus splice site. ClinVar contains an entry for this variant (Variation ID: 496346). This variant has not been reported in the literature in individuals affected with CHEK2-related conditions. This variant is present in population databases (rs764394796, gnomAD 0.003%). This sequence change falls in intron 7 of the CHEK2 gene. It does not directly change the encoded amino acid sequence of the CHEK2 protein. It affects a nucleotide within the consensus splice site.

Sema4
Classification: Uncertain significance for Hereditary cancer-predisposing syndrome. Last evaluated: 2021-08-04. Review status: criteria provided, single submitter. Criteria: Sema4 Curation Guidelines. Collection method: curation. Allele origin: germline.
Comment: The CHEK2 c.846+5G>A variant has not been reported in the literature to our knowledge. It was observed in 2/247356 chromosomes in the large and broad cohorts of the Genome Aggregation Database (PMID: 32461654) and has been reported in ClinVar (Variation ID 496346). In silico tools suggest the variant may disrupt the consensus splice site and affect normal RNA splicing, though these predictions have not been confirmed by functional studies. The evidence is insufficient to meet ACMG/AMP criteria for classifying the variant as benign or pathogenic. Thus, the clinical significance of this variant is currently uncertain.

Women's Health and Genetics/Laboratory Corporation of America, LabCorp
Classification: Uncertain significance. Last evaluated: 2017-06-16. Review status: criteria provided, single submitter. Criteria: LabCorp Variant Classification Summary - May 2015. Collection method: clinical testing. Allele origin: germline.
Comment: Variant summary: The CHEK2 c.846+5G>A variant involves the alteration of a conserved intronic nucleotide. One in silico tool predicts a damaging outcome for this variant. 5/5 splice prediction tools predict weakening effect on the canonical splicing donor site and ESEfinders predict loss of binding motif for SRp55. However, these predictions have yet to be confirmed by functional studies. This variant was found in 1/100202 control chromosomes at a frequency of 0.00001, which does not exceed the estimated maximal expected allele frequency of a pathogenic CHEK2 variant (0.0000284). In addition, one other clinical diagnostic laboratory classified this variant as uncertain significance. The variant of interest has not, to our knowledge, been reported in affected individuals via publications; nor evaluated for functional impact by in vivo/vitro studies. Because of the absence of clinical information and the lack of functional studies, the variant is classified as a variant of uncertain significance (VUS) until additional information becomes available.

Literature cited by the submitters: PubMed 17576681 (cited by Labcorp Genetics (formerly Invitae), Labcorp); PubMed 9536098 (cited by Labcorp Genetics (formerly Invitae), Labcorp).

NM_007194.4(CHEK2):c.846+5G>A

Gene: CHEK2 (checkpoint kinase 2; minus strand). Cytogenetic location: 22q12.1.
Variant type: single nucleotide variant.
Coding change: c.846+5G>A on transcript NM_007194.4 (MANE Select); 5 bases into the intron after coding-DNA position 846, G replaced by A.
Molecular consequence: intron variant.
Genome position (GRCh38, 1-based): chr22:28,710,001, C>T on the plus strand (G>A on the coding strand, the complement: CHEK2 is on the minus strand). VCF-style: chr22-28710001-C-T. GRCh37 (hg19) VCF-style: chr22-29105989-C-T.
Other names: c.183+5G>A (NM_001437942.1, NM_001257387.3); c.645+5G>A (NM_001349956.3); c.846+5G>A (NM_145862.3); c.939+5G>A (NM_001438295.1, NM_001438293.1); c.975+5G>A (NM_001438294.1, NM_001005735.3).
Identifiers: ClinVar variation 496346 (VCV000496346.10), dbSNP rs764394796, ClinGen allele CA10167848.